The following is an entry in ClinVar:

NM_007118.4(TRIO):c.6400del (p.Val2134fs)

Gene: TRIO (trio Rho guanine nucleotide exchange factor; plus strand). Cytogenetic location: 5p15.2.
Variant type: Deletion.
Coding change: c.6400del on transcript NM_007118.4 (MANE Select); coding-DNA position 6400, one base deleted (G; older notation c.6400delG).
Protein change: p.Val2134fs; shifts the reading frame from valine 2134.
Molecular consequence: frameshift variant. On other transcripts: non-coding transcript variant (1).
Genome position (GRCh38, 1-based): chr5:14,481,553, G deleted. VCF-style (leftmost placement, unchanged base first): chr5-14481552-AG-A. GRCh37 (hg19) VCF-style: chr5-14481661-AG-A.
Other names: short protein forms V2134fs.
Identifiers: ClinVar variation 3343875 (VCV003343875.1).

ClinVar aggregate classification (germline): Pathogenic (1 of 4 stars; one submission).

Submission:

GeneDx
Classification: Pathogenic. Last evaluated: 2023-09-27. Review status: criteria provided, single submitter. Criteria: GeneDx Variant Classification Process June 2021. Collection method: clinical testing. Allele origin: germline. Affected: yes.
Comment: Identified in a patient with autism in the literature; inherited from a parent with unknown clinical status (Stessman et al., 2017; Wang et al., 2020); Frameshift variant predicted to result in protein truncation or nonsense mediated decay in a gene for which loss of function is a known mechanism of disease; Not observed at significant frequency in large population cohorts (gnomAD); This variant is associated with the following publications: (PMID: 33004838, 34312540, 28191889)